The following is an entry in ClinVar:

ClinVar aggregate classification (germline): Uncertain significance (1 of 4 stars; one submission).

Submission:

GeneDx
Classification: Uncertain significance. Last evaluated: 2024-06-14. Review status: criteria provided, single submitter. Criteria: GeneDx Variant Classification Process June 2021. Collection method: clinical testing. Allele origin: germline. Affected: yes.
Comment: Not observed at significant frequency in large population cohorts (gnomAD); In silico analysis supports that this missense variant has a deleterious effect on protein structure/function; Has not been previously published as pathogenic or benign to our knowledge

NM_015176.4(FBXO28):c.929T>C (p.Ile310Thr)

Gene: FBXO28 (F-box protein 28; plus strand). Cytogenetic location: 1q42.11.
Variant type: single nucleotide variant.
Coding change: c.929T>C on transcript NM_015176.4 (MANE Select); coding-DNA position 929, T replaced by C.
Protein change: p.Ile310Thr; replaces isoleucine 310 with threonine.
Molecular consequence: missense variant. On other transcripts: 3 prime UTR variant (1), non-coding transcript variant (1).
Genome position (GRCh38, 1-based): chr1:224,157,568, T>C. VCF-style: chr1-224157568-T-C. GRCh37 (hg19) VCF-style: chr1-224345270-T-C.
Other names: c.*193T>C (NM_001136115.3); short protein forms I310T.
Identifiers: ClinVar variation 3390526 (VCV003390526.1).